The following is an entry in ClinVar:

ClinVar aggregate classification (germline): Likely benign (0 of 4 stars; one submission).

Conditions:
CPLX1-related disorder. Also called: CPLX1-related condition.

Allele frequency attached by ClinVar (database versions not stated): 1000 Genomes Project 30x 0.00094; 1000 Genomes Project 0.00120.
gnomAD v4.1: 83 of 1,607,596 alleles (0.0052%); highest among the groups gnomAD compares: South Asian, 0.078%; no homozygotes.

Submission:

PreventionGenetics, part of Exact Sciences
Classification: Likely benign for CPLX1-related condition. Last evaluated: 2019-06-07. Review status: no assertion criteria provided. Collection method: clinical testing. Allele origin: germline.
Comment: This variant is classified as likely benign based on ACMG/AMP sequence variant interpretation guidelines (Richards et al. 2015 PMID: 25741868, with internal and published modifications).

NM_006651.4(CPLX1):c.177C>A (p.Arg59=)

Genes: CPLX1 (complexin 1; minus strand), CPLX1-AS1 (CPLX1 antisense RNA 1; plus strand). Cytogenetic location: 4p16.3.
Variant type: single nucleotide variant.
Coding change: c.177C>A on transcript NM_006651.4 (MANE Select); coding-DNA position 177, C replaced by A.
Protein change: p.Arg59=; no amino-acid change (arginine 59 retained).
Molecular consequence: synonymous variant.
Genome position (GRCh38, 1-based): chr4:792,463, G>T on the plus strand (C>A on the coding strand, the complement: CPLX1 is on the minus strand). VCF-style: chr4-792463-G-T. GRCh37 (hg19) VCF-style: chr4-786251-G-T.
Identifiers: ClinVar variation 3044908 (VCV003044908.2), dbSNP rs541047416, ClinGen allele CA2796976.